The following is an entry in ClinVar:

NM_001393997.1(CCAR2):c.924G>A (p.Ser308=)

Gene: CCAR2 (cell cycle and apoptosis regulator 2; plus strand). Cytogenetic location: 8p21.3.
Variant type: single nucleotide variant.
Coding change: c.924G>A on transcript NM_001393997.1 (MANE Select); coding-DNA position 924, G replaced by A.
Protein change: p.Ser308=; no amino-acid change (serine 308 retained).
Molecular consequence: synonymous variant.
Genome position (GRCh38, 1-based): chr8:22,614,311, G>A. VCF-style: chr8-22614311-G-A. GRCh37 (hg19) VCF-style: chr8-22471824-G-A.
Other names: c.924G>A, p.Ser308= (NM_001363068.2, NM_001363069.2, NM_021174.6).
Identifiers: ClinVar variation 3060085 (VCV003060085.2), dbSNP rs3736147, ClinGen allele CA4670473.

ClinVar aggregate classification (germline): Benign (0 of 4 stars; one submission).

Conditions:
CCAR2-related disorder. Also called: CCAR2-related condition.

Allele frequency attached by ClinVar (database versions not stated): TOPMed 0.25264; gnomAD 0.26260; ESP Exome Variant Server 0.26272; 1000 Genomes Project 30x 0.26686; 1000 Genomes Project 0.26937.
gnomAD v4.1: 502,186 of 1,613,598 alleles (31%); highest among the groups gnomAD compares: South Asian, 36%; 80,052 homozygotes.

Submission:

PreventionGenetics, part of Exact Sciences
Classification: Benign for CCAR2-related condition. Last evaluated: 2019-10-17. Review status: no assertion criteria provided. Collection method: clinical testing. Allele origin: germline.
Comment: This variant is classified as benign based on ACMG/AMP sequence variant interpretation guidelines (Richards et al. 2015 PMID: 25741868, with internal and published modifications).